The following is an entry in ClinVar:

NM_007294.4(BRCA1):c.4484+385A>G

Gene: BRCA1 (BRCA1 DNA repair associated; minus strand). Cytogenetic location: 17q21.31.
Variant type: single nucleotide variant.
Coding change: c.4484+385A>G on transcript NM_007294.4 (MANE Select); 385 bases into the intron after coding-DNA position 4484, A replaced by G.
Molecular consequence: intron variant.
Genome position (GRCh38, 1-based): chr17:43,076,103, T>C on the plus strand (A>G on the coding strand, the complement: BRCA1 is on the minus strand). VCF-style: chr17-43076103-T-C. GRCh37 (hg19) VCF-style: chr17-41228120-T-C.
Other names: IVS 14+385A>G; c.1031+385A>G (NM_001408458.1, NM_001408461.1, NM_001408464.1 and 7 more transcripts); c.3593+385A>G (NM_001407967.1); c.4103+385A>G (NM_001407959.1); c.4217+385A>G (NM_001407931.1, NM_001407932.1, NM_001407928.1 and 4 more transcripts); c.4340+385A>G (NM_001407747.1, NM_001407745.1, NM_001407737.1 and 21 more transcripts); c.4100+385A>G (NM_001407962.1, NM_001407960.1); c.671+385A>G (NM_001408512.1); and 72 more.
Identifiers: ClinVar variation 209381 (VCV000209381.2), dbSNP rs8176206, ClinGen allele CA276353.

ClinVar aggregate classification (germline): Benign (3 of 4 stars; one submission).

Conditions:
Breast-ovarian cancer, familial, susceptibility to, 1 (BROVCA1). Also called: BRCA1 Hereditary Breast and Ovarian Cancer; OVARIAN CANCER, SUSCEPTIBILITY TO. Identifiers: Orphanet 145, MedGen C2676676, MONDO:0011450, OMIM 604370. Disease mechanism: loss of function.

Allele frequency attached by ClinVar (database versions not stated): 1000 Genomes Project 30x 0.01031; gnomAD 0.01032 and 0.01105; 1000 Genomes Project 0.01038; TOPMed 0.01087.
gnomAD v4.1: 1,548 of 151,650 alleles (1%); highest among the groups gnomAD compares: African/African-American, 3.6%; 34 homozygotes.

Submission:

Evidence-based Network for the Interpretation of Germline Mutant Alleles (ENIGMA)
Classification: Benign for Breast-ovarian cancer, familial 1. Last evaluated: 2015-01-12. Review status: reviewed by expert panel. Criteria: ENIGMA BRCA1/2 Classification Criteria (2015). Collection method: curation. Allele origin: germline.
Comment: Class 1 not pathogenic based on frequency >1% in an outbred sampleset. Frequency 0.04878 (African), derived from 1000 genomes (2012-04-30).